The following is an entry in ClinVar:

NM_005334.3(HCFC1):c.5932G>A (p.Ala1978Thr)

Gene: HCFC1 (host cell factor C1; minus strand). Cytogenetic location: Xq28.
Variant type: single nucleotide variant.
Coding change: c.5932G>A on transcript NM_005334.3 (MANE Select); coding-DNA position 5932, G replaced by A.
Protein change: p.Ala1978Thr; replaces alanine 1978 with threonine.
Molecular consequence: missense variant.
Genome position (GRCh38, 1-based): chrX:153,950,315, C>T on the plus strand (G>A on the coding strand, the complement: HCFC1 is on the minus strand). VCF-style: chrX-153950315-C-T. GRCh37 (hg19) VCF-style: chrX-153215766-C-T.
Other names: short protein forms A1978T.
Identifiers: ClinVar variation 1699507 (VCV001699507.2), dbSNP rs2148556115, ClinGen allele CA415102411.

ClinVar aggregate classification (germline): Uncertain significance (1 of 4 stars; one submission).

gnomAD v4.1: 1 of 1,208,695 alleles (0.000083%); highest among the groups gnomAD compares: Non-Finnish European, 0.00011%; no homozygotes.

Submission:

GeneDx
Classification: Uncertain significance. Last evaluated: 2022-02-01. Review status: criteria provided, single submitter. Criteria: GeneDx Variant Classification Process June 2021. Collection method: clinical testing. Allele origin: germline. Affected: yes.
Comment: Not observed at significant frequency in large population cohorts (gnomAD); In silico analysis supports that this missense variant has a deleterious effect on protein structure/function; Has not been previously published as pathogenic or benign to our knowledge